The following is an entry in ClinVar:

ClinVar aggregate classification (germline): Benign/Likely benign. Review status: criteria provided, multiple submitters, no conflicts (2 of 4 stars). 6 submissions from 6 submitters: Benign (1); Likely benign (5). Last evaluated 2024-09-05.

Conditions:
Fanconi anemia complementation group J. Also called: BRIP1-Related Fanconi Anemia. Identifiers: Orphanet 84, MedGen C1836860, MONDO:0012187, OMIM 609054.
Familial cancer of breast. Also called: BREAST CANCER, FAMILIAL; hereditary breast carcinoma; Hereditary breast cancer. Identifiers: Orphanet 227535, MedGen C0346153, MONDO:0016419, OMIM 114480. Disease mechanism: loss of function.
Hereditary cancer-predisposing syndrome. Also called: Tumor predisposition; Neoplastic Syndromes, Hereditary; Hereditary Cancer Syndrome; Hereditary neoplastic syndrome. Identifiers: Orphanet 140162, MedGen C0027672, MeSH D009386, MONDO:0015356.

gnomAD v4.1: 1 of 1,605,764 alleles (0.000062%); highest among the groups gnomAD compares: South Asian, 0.0011%; no homozygotes.

Submissions (6):

Myriad Genetics, Inc.
Classification: Benign for Familial cancer of breast. Last evaluated: 2024-09-05. Review status: criteria provided, single submitter. Criteria: Myriad Autosomal Dominant, Autosomal Recessive and X-Linked Classification Criteria (2023). Collection method: clinical testing. Allele origin: unknown.
Comment: This variant is considered benign. This variant is a silent/synonymous amino acid change and it is not expected to impact splicing.

Labcorp Genetics (formerly Invitae), Labcorp
Classification: Likely benign for Familial cancer of breast; Fanconi anemia complementation group J. Last evaluated: 2024-02-12. Review status: criteria provided, single submitter. Criteria: Invitae Variant Classification Sherloc (09022015). Collection method: clinical testing. Allele origin: germline.

Women's Health and Genetics/Laboratory Corporation of America, LabCorp
Classification: Likely benign. Last evaluated: 2021-09-16. Review status: criteria provided, single submitter. Criteria: LabCorp Variant Classification Summary - May 2015. Collection method: clinical testing. Allele origin: germline.

Ambry Genetics
Classification: Likely benign for Hereditary cancer-predisposing syndrome. Last evaluated: 2019-08-21. Review status: criteria provided, single submitter. Criteria: Ambry Variant Classification Scheme 2023. Collection method: clinical testing. Allele origin: germline.

GeneDx
Classification: Likely benign. Last evaluated: 2017-12-05. Review status: criteria provided, single submitter. Criteria: GeneDx Variant Classification (06012015). Collection method: clinical testing. Allele origin: germline. Affected: yes.
Comment: This variant is considered likely benign or benign based on one or more of the following criteria: it is a conservative change, it occurs at a poorly conserved position in the protein, it is predicted to be benign by multiple in silico algorithms, and/or has population frequency not consistent with disease.

Color Diagnostics, LLC DBA Color Health
Classification: Likely benign for Hereditary cancer-predisposing syndrome. Last evaluated: 2015-10-20. Review status: criteria provided, single submitter. Criteria: ACMG Guidelines, 2015. Collection method: clinical testing. Allele origin: germline.

NM_032043.3(BRIP1):c.2469G>A (p.Arg823=)

Gene: BRIP1 (BRCA1 interacting DNA helicase 1; minus strand). Cytogenetic location: 17q23.2.
Variant type: single nucleotide variant.
Coding change: c.2469G>A on transcript NM_032043.3 (MANE Select); coding-DNA position 2469, G replaced by A.
Protein change: p.Arg823=; no amino-acid change (arginine 823 retained).
Molecular consequence: synonymous variant.
Genome position (GRCh38, 1-based): chr17:61,715,974, C>T on the plus strand (G>A on the coding strand, the complement: BRIP1 is on the minus strand). VCF-style: chr17-61715974-C-T. GRCh37 (hg19) VCF-style: chr17-59793335-C-T.
Identifiers: ClinVar variation 491441 (VCV000491441.14), dbSNP rs587780239, ClinGen allele CA292261335.
Genomic context (GRCh38, chr17:61,715,974, plus strand): 5'-TCACAGATAATATTATATTAAATTTCACTCCACTTACCTACCAAGGGCCTGGTTTAAGGC[C>T]CTGTATGCTTGAATTTCATACCACTGACGGCCAGGTAGAAGACCTCTCAATTTTGAATGG-3'
Protein context (NP_114432.2, residues 813-833): GRQWYEIQAY[Arg823=]ALNQALGRCI